The following is an entry in ClinVar:

NM_032043.3(BRIP1):c.380-15_380-11dup

Gene: BRIP1 (BRCA1 interacting DNA helicase 1; minus strand). Cytogenetic location: 17q23.2.
Variant type: Duplication.
Coding change: c.380-15_380-11dup on transcript NM_032043.3 (MANE Select); 15 bases into the intron before coding-DNA position 380 through 11 bases into the intron before coding-DNA position 380, 5 bases duplicated (AATTA; older notation c.380-15_380-11dupAATTA).
Molecular consequence: intron variant.
Genome position (GRCh38, 1-based): chr17:61,849,267-61,849,271, TAATT duplicated on the plus strand (AATTA on the coding strand, the reverse complement: BRIP1 is on the minus strand); duplicating any 5 consecutive bases within chr17:61,849,267-61,849,274 gives the same sequence; the c. name uses the placement nearest the transcript's 3' end. VCF-style (leftmost placement, unchanged base first): chr17-61849266-G-GTAATT. GRCh37 (hg19) VCF-style: chr17-59926627-G-GTAATT.
Identifiers: ClinVar variation 3757469 (VCV003757469.2).
Genomic context (GRCh38, chr17:61,849,266, plus strand): 5'-CCTGTTTCTTAGCAGATAACTTTGCAGCCAGAGTGGTTTTTTCAGGGGAGTCTTATATAA[G>GTAATT]TAATTTAAAAAAAACAGCATAAATAACTTACAGGTAGGCAATTTTTCTAGAAGAAAACTG-3'

ClinVar aggregate classification (germline): Uncertain significance (1 of 4 stars; one submission).

Conditions:
Fanconi anemia complementation group J. Also called: BRIP1-Related Fanconi Anemia. Identifiers: Orphanet 84, MedGen C1836860, MONDO:0012187, OMIM 609054.
Familial cancer of breast. Also called: BREAST CANCER, FAMILIAL; Hereditary breast cancer; hereditary breast carcinoma. Identifiers: Orphanet 227535, MedGen C0346153, MONDO:0016419, OMIM 114480. Disease mechanism: loss of function.

Submission:

Labcorp Genetics (formerly Invitae), Labcorp
Classification: Uncertain significance for Familial cancer of breast; Fanconi anemia complementation group J. Last evaluated: 2024-07-30. Review status: criteria provided, single submitter. Criteria: Invitae Variant Classification Sherloc (09022015). Collection method: clinical testing. Allele origin: germline.
Comment: This sequence change falls in intron 4 of the BRIP1 gene. It does not directly change the encoded amino acid sequence of the BRIP1 protein. This variant is not present in population databases (gnomAD no frequency). This variant has not been reported in the literature in individuals affected with BRIP1-related conditions. Algorithms developed to predict the effect of sequence changes on RNA splicing suggest that this variant may disrupt the consensus splice site. In summary, the available evidence is currently insufficient to determine the role of this variant in disease. Therefore, it has been classified as a Variant of Uncertain Significance.